The following is an entry in ClinVar:

ClinVar aggregate classification (germline): Conflicting classifications of pathogenicity. Review status: criteria provided, conflicting classifications (1 of 4 stars). 7 submissions from 7 submitters: Uncertain significance (2); Benign (2); Likely benign (3). Last evaluated 2026-01-18.

Conditions:
Hyperplastic polyposis syndrome. Identifiers: Orphanet 157798, MedGen C4296896, MONDO:0015524.
Hereditary cancer-predisposing syndrome. Also called: Hereditary neoplastic syndrome; Hereditary Cancer Syndrome; Neoplastic Syndromes, Hereditary; Tumor predisposition. Identifiers: Orphanet 140162, MedGen C0027672, MeSH D009386, MONDO:0015356.

Allele frequency attached by ClinVar (database versions not stated): ESP Exome Variant Server 0.00023; TOPMed 0.00025; 1000 Genomes Project 30x 0.00047; 1000 Genomes Project 0.00060; gnomAD 0.00072 and 0.00075.

Submissions (7):

Labcorp Genetics (formerly Invitae), Labcorp
Classification: Benign. Last evaluated: 2026-01-18. Review status: criteria provided, single submitter. Criteria: Invitae Variant Classification Sherloc (09022015). Collection method: clinical testing. Allele origin: germline.

Center for Genomic Medicine, Rigshospitalet, Copenhagen University Hospital
Classification: Uncertain significance. Last evaluated: 2025-12-29. Review status: criteria provided, single submitter. Criteria: ACMG Guidelines, 2015. Collection method: clinical testing. Allele origin: germline.

Praxis Für Humangenetik, Biosciencia MVZ Labor Saar
Classification: Likely benign for Hereditary cancer-predisposing syndrome. Last evaluated: 2025-12-17. Review status: criteria provided, single submitter. Criteria: ACMG Guidelines, 2015. Collection method: clinical testing. Allele origin: germline. Affected: no.

Ambry Genetics
Classification: Likely benign. Last evaluated: 2024-07-30. Review status: criteria provided, single submitter. Criteria: Ambry Variant Classification Scheme 2023. Collection method: clinical testing. Allele origin: germline.

CeGaT Center for Human Genetics Tuebingen
Classification: Likely benign. Last evaluated: 2024-07-01. Review status: criteria provided, single submitter. Criteria: CeGaT Center For Human Genetics Tuebingen Variant Classification Criteria Version 2. Collection method: clinical testing. Allele origin: germline. Affected: yes. Observed: 2 variant alleles.
Comment: RNF43: BP4

Department of Pathology and Laboratory Medicine, Sinai Health System
Classification: Benign for Hyperplastic polyposis syndrome. Last evaluated: 2022-04-29. Review status: criteria provided, single submitter. Criteria: ACMG Guidelines, 2015. Collection method: clinical testing. Allele origin: germline. Affected: yes.

Institute for Clinical Genetics, University Hospital TU Dresden, University Hospital TU Dresden
Classification: Uncertain significance. Last evaluated: 2021-11-03. Review status: criteria provided, single submitter. Criteria: ACMG Guidelines, 2015. Collection method: clinical testing. Allele origin: germline.

NM_017763.6(RNF43):c.1825C>T (p.Arg609Trp)

Gene: RNF43 (ring finger protein 43; minus strand). Cytogenetic location: 17q22.
Variant type: single nucleotide variant.
Coding change: c.1825C>T on transcript NM_017763.6 (MANE Select); coding-DNA position 1825, C replaced by T.
Protein change: p.Arg609Trp; replaces arginine 609 with tryptophan.
Molecular consequence: missense variant.
Genome position (GRCh38, 1-based): chr17:58,357,951, G>A on the plus strand (C>T on the coding strand, the complement: RNF43 is on the minus strand). VCF-style: chr17-58357951-G-A. GRCh37 (hg19) VCF-style: chr17-56435312-G-A.
Other names: c.1825C>T, p.Arg609Trp (NM_001305544.3); c.1444C>T, p.Arg482Trp (NM_001305545.2); short protein forms R482W, R609W.
Identifiers: ClinVar variation 1166577 (VCV001166577.42), dbSNP rs139405076, ClinGen allele CA8673105.